The following is an entry in ClinVar:

ClinVar aggregate classification (germline): Uncertain significance (1 of 4 stars; one submission).

Conditions:
Leigh syndrome (NULS). Also called: Leigh's necrotizing encephalopathy; Leigh's disease; Leigh Syndrome (mtDNA deletion); Leigh Disease; Subacute necrotizing encephalopathy; Necrotizing encephalopathy infantile subacute of Leigh. Identifiers: Orphanet 506, MedGen C2931891, MONDO:0009723, OMIM 256000.

Submission:

Wong Mito Lab, Molecular and Human Genetics, Baylor College of Medicine
Classification: Uncertain significance for Leigh syndrome. Last evaluated: 2019-10-17. Review status: criteria provided, single submitter. Criteria: Modified ACMG Guidelines (Unpublished). Collection method: clinical testing. Allele origin: germline.
Comment: The NC_012920.1:m.3419A>G (YP_003024026.1:p.Asn38Ser) variant in MTND1 gene is interpretated to be a Uncertain Significance variant based on the modified ACMG guidelines (unpublished). This variant meets the following evidence codes: PP6, PP7

NC_012920.1(MT-ND1):m.3419A>G

Gene: MT-ND1 (mitochondrially encoded NADH dehydrogenase 1; plus strand).
Variant type: single nucleotide variant.
Genome position: chrM-3419-A-G.
Identifiers: ClinVar variation 692353 (VCV000692353.1), dbSNP rs1603218949, ClinGen allele CA414772744.